The following is an entry in ClinVar:

NM_001252024.2(TRPM1):c.3546G>C (p.Glu1182Asp)

Genes: TRPM1 (transient receptor potential cation channel subfamily M member 1; minus strand), TRPM1-AS1 (TRPM1 antisense RNA 1; plus strand), LOC126862088 (BRD4-independent group 4 enhancer GRCh37_chr15:31318084-31319283; plus strand). Cytogenetic location: 15q13.3.
Variant type: single nucleotide variant.
Coding change: c.3546G>C on transcript NM_001252024.2 (MANE Select); coding-DNA position 3546, G replaced by C.
Protein change: p.Glu1182Asp; replaces glutamic acid 1182 with aspartic acid.
Molecular consequence: missense variant.
Genome position (GRCh38, 1-based): chr15:31,026,222, C>G on the plus strand (G>C on the coding strand, the complement: TRPM1 is on the minus strand). VCF-style: chr15-31026222-C-G. GRCh37 (hg19) VCF-style: chr15-31318425-C-G.
Other names: c.3597G>C, p.Glu1199Asp (NM_001252020.2); c.3480G>C, p.Glu1160Asp (NM_002420.6); short protein forms E1160D, E1199D, E1182D.
Identifiers: ClinVar variation 1391705 (VCV001391705.5), dbSNP rs1465301159, ClinGen allele CA391540325.

ClinVar aggregate classification (germline): Uncertain significance (1 of 4 stars; one submission).

Allele frequency attached by ClinVar (database versions not stated): gnomAD exomes below 0.00001.
gnomAD v4.1: 1 of 1,612,470 alleles (0.000062%); highest among the groups gnomAD compares: Non-Finnish European, 0.000085%; no homozygotes.

Submission:

Labcorp Genetics (formerly Invitae), Labcorp
Classification: Uncertain significance. Last evaluated: 2022-08-16. Review status: criteria provided, single submitter. Criteria: Invitae Variant Classification Sherloc (09022015). Collection method: clinical testing. Allele origin: germline.
Comment: This sequence change replaces glutamic acid, which is acidic and polar, with aspartic acid, which is acidic and polar, at codon 1160 of the TRPM1 protein (p.Glu1160Asp). This variant is present in population databases (no rsID available, gnomAD 0.0009%). In summary, the available evidence is currently insufficient to determine the role of this variant in disease. Therefore, it has been classified as a Variant of Uncertain Significance. Algorithms developed to predict the effect of missense changes on protein structure and function (SIFT, PolyPhen-2, Align-GVGD) all suggest that this variant is likely to be disruptive. ClinVar contains an entry for this variant (Variation ID: 1391705). This variant has not been reported in the literature in individuals affected with TRPM1-related conditions.